The following is an entry in ClinVar:

NM_020922.5(WNK3):c.1399-5T>G

Gene: WNK3 (WNK lysine deficient protein kinase 3; minus strand). Cytogenetic location: Xp11.22.
Variant type: single nucleotide variant.
Coding change: c.1399-5T>G on transcript NM_020922.5 (MANE Select); 5 bases into the intron before coding-DNA position 1399, T replaced by G.
Molecular consequence: intron variant.
Genome position (GRCh38, 1-based): chrX:54,294,852, A>C on the plus strand (T>G on the coding strand, the complement: WNK3 is on the minus strand). VCF-style: chrX-54294852-A-C. GRCh37 (hg19) VCF-style: chrX-54321285-A-C.
Other names: c.1399-5T>G (NM_001395166.1, NM_001002838.4).
Identifiers: ClinVar variation 3381312 (VCV003381312.1).

ClinVar aggregate classification (germline): Uncertain significance (1 of 4 stars; one submission).

Submission:

GeneDx
Classification: Uncertain significance. Last evaluated: 2024-05-22. Review status: criteria provided, single submitter. Criteria: GeneDx Variant Classification Process June 2021. Collection method: clinical testing. Allele origin: germline. Affected: yes.
Comment: Not observed at significant frequency in large population cohorts (gnomAD); In silico analysis indicates that this variant does not alter splicing; Has not been previously published as pathogenic or benign to our knowledge